The following is an entry in ClinVar:

NM_000318.3(PEX2):c.416_417del (p.Val139fs)

Gene: PEX2 (peroxisomal biogenesis factor 2; minus strand). Cytogenetic location: 8q21.13.
Variant type: Microsatellite.
Coding change: c.416_417del on transcript NM_000318.3 (MANE Select); coding-DNA positions 416 to 417, 2 bases deleted (TG; older notation c.416_417delTG).
Protein change: p.Val139fs; shifts the reading frame from valine 139.
Molecular consequence: frameshift variant.
Genome position (GRCh38, 1-based): chr8:76,983,762-76,983,763, CA deleted on the plus strand (TG on the coding strand, the reverse complement: PEX2 is on the minus strand); deleting any 2 consecutive bases within chr8:76,983,762-76,983,768 gives the same sequence; the c. name uses the placement nearest the transcript's 3' end. VCF-style (leftmost placement, unchanged base first): chr8-76983761-TCA-T. GRCh37 (hg19) VCF-style: chr8-77895997-TCA-T.
Other names: c.416_417del, p.Val139fs (NM_001079867.2, NM_001172086.2, NM_001172087.2); short protein forms V139fs.
Identifiers: ClinVar variation 1357556 (VCV001357556.6), dbSNP rs2132044032, ClinGen allele CA2580617183.

ClinVar aggregate classification (germline): Pathogenic (1 of 4 stars; one submission).

Conditions:
Peroxisome biogenesis disorder 5A (Zellweger) (PBD5A). Identifiers: Orphanet 912, MedGen C3553940, MONDO:0013932, OMIM 614866.

Submission:

Labcorp Genetics (formerly Invitae), Labcorp
Classification: Pathogenic for Peroxisome biogenesis disorder 5A (Zellweger). Last evaluated: 2022-03-10. Review status: criteria provided, single submitter. Criteria: Invitae Variant Classification Sherloc (09022015). Collection method: clinical testing. Allele origin: germline.
Comment: For these reasons, this variant has been classified as Pathogenic. This variant disrupts a region of the PEX2 protein in which other variant(s) (p.Arg184Valfs*8) have been determined to be pathogenic (PMID: 10652207; Invitae). This suggests that this is a clinically significant region of the protein, and that variants that disrupt it are likely to be disease-causing. This variant has not been reported in the literature in individuals affected with PEX2-related conditions. This variant is not present in population databases (gnomAD no frequency). This sequence change creates a premature translational stop signal (p.Val139Glufs*14) in the PEX2 gene. While this is not anticipated to result in nonsense mediated decay, it is expected to disrupt the last 167 amino acid(s) of the PEX2 protein.

Literature cited by the submitters: PubMed 10652207.